The following is an entry in ClinVar:

NM_005475.3(SH2B3):c.268C>T (p.Arg90Trp)

Gene: SH2B3 (SH2B adaptor protein 3; plus strand). Cytogenetic location: 12q24.12.
Variant type: single nucleotide variant.
Coding change: c.268C>T on transcript NM_005475.3 (MANE Select); coding-DNA position 268, C replaced by T.
Protein change: p.Arg90Trp; replaces arginine 90 with tryptophan.
Molecular consequence: missense variant.
Genome position (GRCh38, 1-based): chr12:111,418,413, C>T. VCF-style: chr12-111418413-C-T. GRCh37 (hg19) VCF-style: chr12-111856217-C-T.
Other names: short protein forms R90W.
Identifiers: ClinVar variation 3953502 (VCV003953502.1).

ClinVar aggregate classification (germline): Uncertain significance (1 of 4 stars; one submission).

Conditions:
Inborn genetic diseases. Identifiers: MedGen C0950123, MeSH D030342.

Submission:

Ambry Genetics
Classification: Uncertain significance for Inborn genetic diseases. Last evaluated: 2025-05-18. Review status: criteria provided, single submitter. Criteria: Ambry Variant Classification Scheme 2023. Collection method: clinical testing. Allele origin: germline.
Comment: The p.R90W variant (also known as c.268C>T), located in coding exon 1 of the SH2B3 gene, results from a C to T substitution at nucleotide position 268. The arginine at codon 90 is replaced by tryptophan, an amino acid with dissimilar properties. This amino acid position is conserved. In addition, this alteration is predicted to be tolerated by in silico analysis. Based on the available evidence, the clinical significance of this variant remains unclear.